The following is an entry in ClinVar:

ClinVar aggregate classification (germline): Uncertain significance. Review status: criteria provided, multiple submitters, no conflicts (2 of 4 stars). 2 submissions from 2 submitters: Uncertain significance (2). Last evaluated 2026-05-12.

Conditions:
USH1C-related disorder. Also called: USH1C-related condition.

gnomAD v4.1: 17 of 1,597,856 alleles (0.0011%); highest among the groups gnomAD compares: Admixed American, 0.01%; no homozygotes.

Submissions (2):

PreventionGenetics, part of Exact Sciences
Classification: Uncertain significance for USH1C-related condition. Last evaluated: 2026-05-12. Review status: criteria provided, single submitter. Criteria: ACMG Guidelines, 2015. Collection method: clinical testing. Allele origin: germline.
Comment: The USH1C c.1767C>A variant is predicted to result in the amino acid substitution p.Ser589Arg. To our knowledge, this variant has not been reported in the literature. This variant is reported in 0.012% of alleles in individuals of Latino descent in gnomAD. At this time, the clinical significance of this variant is uncertain due to the absence of conclusive functional and genetic evidence.

GeneDx
Classification: Uncertain significance. Last evaluated: 2024-06-11. Review status: criteria provided, single submitter. Criteria: GeneDx Variant Classification Process June 2021. Collection method: clinical testing. Allele origin: germline. Affected: yes.
Comment: In silico analysis indicates that this variant does not alter protein structure/function; Has not been previously published as pathogenic or benign to our knowledge; Reported using an alternate transcript of the gene

NM_153676.4(USH1C):c.1767C>A (p.Ser589Arg)

Gene: USH1C (USH1 protein network component harmonin; minus strand). Cytogenetic location: 11p15.1.
Variant type: single nucleotide variant.
Coding change: c.1767C>A on transcript NM_153676.4 (MANE Select); coding-DNA position 1767, C replaced by A.
Protein change: p.Ser589Arg; replaces serine 589 with arginine.
Molecular consequence: missense variant. On other transcripts: intron variant (2).
Genome position (GRCh38, 1-based): chr11:17,509,602, G>T on the plus strand (C>A on the coding strand, the complement: USH1C is on the minus strand). VCF-style: chr11-17509602-G-T. GRCh37 (hg19) VCF-style: chr11-17531149-G-T.
Other names: c.1767C>A (NM_153676.3); c.1228-7622C>A (NM_001297764.2); c.1285-7622C>A (NM_005709.4); short protein forms S589R.
Identifiers: ClinVar variation 3390603 (VCV003390603.2).